The following is an entry in ClinVar:

ClinVar aggregate classification (germline): Uncertain significance (1 of 4 stars; one submission).

gnomAD v4.1: 14 of 1,613,152 alleles (0.00087%); highest among the groups gnomAD compares: African/African-American, 0.0013%; no homozygotes.

Submission:

Labcorp Genetics (formerly Invitae), Labcorp
Classification: Uncertain significance. Last evaluated: 2025-01-08. Review status: criteria provided, single submitter. Criteria: Invitae Variant Classification Sherloc (09022015). Collection method: clinical testing. Allele origin: germline.
Comment: This sequence change replaces arginine, which is basic and polar, with leucine, which is neutral and non-polar, at codon 735 of the ROR2 protein (p.Arg735Leu). This variant is present in population databases (rs552714728, gnomAD 0.003%). This variant has not been reported in the literature in individuals affected with ROR2-related conditions. Invitae Evidence Modeling of protein sequence and biophysical properties (such as structural, functional, and spatial information, amino acid conservation, physicochemical variation, residue mobility, and thermodynamic stability) indicates that this missense variant is not expected to disrupt ROR2 protein function with a negative predictive value of 80%. In summary, the available evidence is currently insufficient to determine the role of this variant in disease. Therefore, it has been classified as a Variant of Uncertain Significance.

NM_004560.4(ROR2):c.2204G>T (p.Arg735Leu)

Gene: ROR2 (receptor tyrosine kinase like orphan receptor 2; minus strand). Cytogenetic location: 9q22.31.
Variant type: single nucleotide variant.
Coding change: c.2204G>T on transcript NM_004560.4 (MANE Select); coding-DNA position 2204, G replaced by T.
Protein change: p.Arg735Leu; replaces arginine 735 with leucine.
Molecular consequence: missense variant.
Genome position (GRCh38, 1-based): chr9:91,724,290, C>A on the plus strand (G>T on the coding strand, the complement: ROR2 is on the minus strand). VCF-style: chr9-91724290-C-A. GRCh37 (hg19) VCF-style: chr9-94486572-C-A.
Other names: short protein forms R735L.
Identifiers: ClinVar variation 3697659 (VCV003697659.2).